The following is an entry in ClinVar:

ClinVar aggregate classification (germline): Conflicting classifications of pathogenicity. Review status: criteria provided, conflicting classifications (1 of 4 stars). 2 submissions from 2 submitters: Likely pathogenic (1); Uncertain significance (1). Last evaluated 2025-10-13.

Conditions:
Familial thoracic aortic aneurysm and aortic dissection (TAAD). Also called: Thoracic aortic aneurysms and dissections. Identifiers: Orphanet 91387, MedGen C4707243, MONDO:0019625.
Marfan syndrome (MFS). Also called: FBN1-Related Marfan Syndrome; Marfan's syndrome; MARFAN SYNDROME, TYPE I; Marfan syndrome type 1; Marfan syndrome, classic. Identifiers: Orphanet 284963, Orphanet 558, MedGen C0024796, MONDO:0007947, OMIM 154700.

Allele frequency attached by ClinVar (database versions not stated): TOPMed below 0.00001.

Submissions (2):

Labcorp Genetics (formerly Invitae), Labcorp
Classification: Likely pathogenic for Marfan syndrome; Familial thoracic aortic aneurysm and aortic dissection. Last evaluated: 2025-10-13. Review status: criteria provided, single submitter. Criteria: Invitae Variant Classification Sherloc (09022015). Collection method: clinical testing. Allele origin: germline.
Comment: This sequence change affects a donor splice site in intron 45 of the FBN1 gene. It is expected to disrupt RNA splicing. Variants that disrupt the donor or acceptor splice site typically lead to a loss of protein function (PMID: 16199547), and loss-of-function variants in FBN1 are known to be pathogenic (PMID: 17657824, 19293843). This variant is not present in population databases (gnomAD no frequency). This variant has not been reported in the literature in individuals affected with FBN1-related conditions. ClinVar contains an entry for this variant (Variation ID: 857577). Algorithms developed to predict the effect of sequence changes on RNA splicing suggest that this variant may disrupt the consensus splice site. In summary, the currently available evidence indicates that the variant is pathogenic, but additional data are needed to prove that conclusively. Therefore, this variant has been classified as Likely Pathogenic.

Ambry Genetics
Classification: Uncertain significance for Familial thoracic aortic aneurysm and aortic dissection. Last evaluated: 2025-05-23. Review status: criteria provided, single submitter. Criteria: Ambry Variant Classification Scheme 2023. Collection method: clinical testing. Allele origin: germline.
Comment: The c.5545+2T>C intronic variant results from a T to C substitution two nucleotides after coding exon 44 in the FBN1 gene. This nucleotide position is well conserved in available vertebrate species. In silico splice site analysis predicts that this alteration will weaken the native splice donor site and may result in the creation or strengthening of a novel splice donor site. Alterations that disrupt the canonical splice site are expected to cause aberrant splicing, resulting in an abnormal protein or a transcript that is subject to nonsense-mediated mRNA decay; however, +2T>C alterations are capable of generating wild-type transcripts in some genomic contexts and should be interpreted with caution (Lin JH et al. Hum Mutat. 2019 10;40:1856-1873). Based on the available evidence, the clinical significance of this alteration remains unclear.

Literature cited by the submitters: PubMed 16199547 (cited by Labcorp Genetics (formerly Invitae), Labcorp); PubMed 17657824 (cited by Labcorp Genetics (formerly Invitae), Labcorp); PubMed 19293843 (cited by Labcorp Genetics (formerly Invitae), Labcorp).

NM_000138.5(FBN1):c.5545+2T>C

Gene: FBN1 (fibrillin 1; minus strand). Cytogenetic location: 15q21.1.
Variant type: single nucleotide variant.
Coding change: c.5545+2T>C on transcript NM_000138.5 (MANE Select); the canonical splice donor site of the intron after coding-DNA position 5545, T replaced by C.
Molecular consequence: splice donor variant.
Genome position (GRCh38, 1-based): chr15:48,452,560, A>G on the plus strand (T>C on the coding strand, the complement: FBN1 is on the minus strand). VCF-style: chr15-48452560-A-G. GRCh37 (hg19) VCF-style: chr15-48744757-A-G.
Other names: c.5545+2T>C (NM_001406716.1).
Identifiers: ClinVar variation 857577 (VCV000857577.9), dbSNP rs2043209059, ClinGen allele CA392343838.